The following is an entry in ClinVar:

NM_014874.4(MFN2):c.1447T>C (p.Ser483Pro)

Gene: MFN2 (mitofusin 2; plus strand). Cytogenetic location: 1p36.22.
Variant type: single nucleotide variant.
Coding change: c.1447T>C on transcript NM_014874.4 (MANE Select); coding-DNA position 1447, T replaced by C.
Protein change: p.Ser483Pro; replaces serine 483 with proline.
Molecular consequence: missense variant.
Genome position (GRCh38, 1-based): chr1:12,004,879, T>C. VCF-style: chr1-12004879-T-C. GRCh37 (hg19) VCF-style: chr1-12064936-T-C.
Other names: c.1447T>C, p.Ser483Pro (NM_001127660.2); short protein forms S483P.
Identifiers: ClinVar variation 859335 (VCV000859335.9), dbSNP rs1639334188, ClinGen allele CA338446785.

ClinVar aggregate classification (germline): Uncertain significance (1 of 4 stars; one submission).

Conditions:
Charcot-Marie-Tooth disease type 2. Also called: Charcot-Marie-Tooth type 2. Identifiers: Orphanet 64746, MedGen C0270914, MONDO:0018993.

Submission:

Labcorp Genetics (formerly Invitae), Labcorp
Classification: Uncertain significance for Charcot-Marie-Tooth disease type 2. Last evaluated: 2019-04-11. Review status: criteria provided, single submitter. Criteria: Invitae Variant Classification Sherloc (09022015). Collection method: clinical testing. Allele origin: germline.
Comment: This sequence change replaces serine with proline at codon 483 of the MFN2 protein (p.Ser483Pro). The serine residue is highly conserved and there is a moderate physicochemical difference between serine and proline. This variant is not present in population databases (ExAC no frequency). This variant has not been reported in the literature in individuals with MFN2-related conditions. Algorithms developed to predict the effect of missense changes on protein structure and function are either unavailable or do not agree on the potential impact of this missense change (SIFT: "Tolerated"; PolyPhen-2: "Possibly Damaging"; Align-GVGD: "Class C0"). In summary, the available evidence is currently insufficient to determine the role of this variant in disease. Therefore, it has been classified as a Variant of Uncertain Significance.